The following is an entry in ClinVar:

NM_000238.4(KCNH2):c.2914C>A (p.Pro972Thr)

Gene: KCNH2 (potassium voltage-gated channel subfamily H member 2; minus strand). Cytogenetic location: 7q36.1.
Variant type: single nucleotide variant.
Coding change: c.2914C>A on transcript NM_000238.4 (MANE Select); coding-DNA position 2914, C replaced by A.
Protein change: p.Pro972Thr; replaces proline 972 with threonine.
Molecular consequence: missense variant. On other transcripts: non-coding transcript variant (2).
Genome position (GRCh38, 1-based): chr7:150,947,657, G>T on the plus strand (C>A on the coding strand, the complement: KCNH2 is on the minus strand). VCF-style: chr7-150947657-G-T. GRCh37 (hg19) VCF-style: chr7-150644745-G-T.
Other names: c.1894C>A, p.Pro632Thr (NM_172057.3); c.2626C>A, p.Pro876Thr (NM_001406753.1); short protein forms P632T, P972T, P876T.
Identifiers: ClinVar variation 2778474 (VCV002778474.3), dbSNP rs2486006633, ClinGen allele CA369853149.

ClinVar aggregate classification (germline): Uncertain significance (1 of 4 stars; one submission).

Conditions:
Long QT syndrome (LQTS). Identifiers: MedGen C0023976, MeSH D008133, MONDO:0002442. Disease mechanism: loss of function. Inheritance: Various modes of inheritance.

gnomAD v4.1: 2 of 1,610,774 alleles (0.00012%); highest among the groups gnomAD compares: Non-Finnish European, 0.00017%; no homozygotes.

Submission:

Labcorp Genetics (formerly Invitae), Labcorp
Classification: Uncertain significance for Long QT syndrome. Last evaluated: 2025-03-20. Review status: criteria provided, single submitter. Criteria: Invitae Variant Classification Sherloc (09022015). Collection method: clinical testing. Allele origin: germline.
Comment: This sequence change replaces proline, which is neutral and non-polar, with threonine, which is neutral and polar, at codon 972 of the KCNH2 protein (p.Pro972Thr). This variant is not present in population databases (gnomAD no frequency). This variant has not been reported in the literature in individuals affected with KCNH2-related conditions. ClinVar contains an entry for this variant (Variation ID: 2778474). An algorithm developed to predict the effect of missense changes on protein structure and function (PolyPhen-2) suggests that this variant is likely to be disruptive. In summary, the available evidence is currently insufficient to determine the role of this variant in disease. Therefore, it has been classified as a Variant of Uncertain Significance.